The following is an entry in ClinVar:

ClinVar aggregate classification (germline): Pathogenic (1 of 4 stars; one submission).

Conditions:
Charcot-Marie-Tooth disease type 4. Also called: Charcot-Marie-Tooth disease, type IV; Charcot-Marie-Tooth, Type 4. Identifiers: Orphanet 64749, MedGen C4082197, MONDO:0018995.

Submission:

Labcorp Genetics (formerly Invitae), Labcorp
Classification: Pathogenic for Charcot-Marie-Tooth disease type 4. Last evaluated: 2023-10-13. Review status: criteria provided, single submitter. Criteria: Invitae Variant Classification Sherloc (09022015). Collection method: clinical testing. Allele origin: germline.
Comment: This sequence change creates a premature translational stop signal (p.Gln226*) in the SH3TC2 gene. It is expected to result in an absent or disrupted protein product. Loss-of-function variants in SH3TC2 are known to be pathogenic (PMID: 20220177, 27068304). This variant is not present in population databases (gnomAD no frequency). This variant has not been reported in the literature in individuals affected with SH3TC2-related conditions. ClinVar contains an entry for this variant (Variation ID: 1068543). Algorithms developed to predict the effect of sequence changes on RNA splicing suggest that this variant may disrupt the consensus splice site. For these reasons, this variant has been classified as Pathogenic.

Literature cited by the submitters: PubMed 20220177; PubMed 27068304.

NM_024577.4(SH3TC2):c.676C>T (p.Gln226Ter)

Gene: SH3TC2 (SH3 domain and tetratricopeptide repeats 2; minus strand). Cytogenetic location: 5q32.
Variant type: single nucleotide variant.
Coding change: c.676C>T on transcript NM_024577.4 (MANE Select); coding-DNA position 676, C replaced by T.
Protein change: p.Gln226Ter; replaces glutamine 226 with a stop codon.
Molecular consequence: nonsense.
Genome position (GRCh38, 1-based): chr5:149,041,471, G>A on the plus strand (C>T on the coding strand, the complement: SH3TC2 is on the minus strand). VCF-style: chr5-149041471-G-A. GRCh37 (hg19) VCF-style: chr5-148421034-G-A.
Other names: short protein forms Q226*.
Identifiers: ClinVar variation 1068543 (VCV001068543.7), dbSNP rs2127400649, ClinGen allele CA361674339.